The following is an entry in ClinVar:

ClinVar aggregate classification (germline): Benign/Likely benign. Review status: criteria provided, multiple submitters, no conflicts (2 of 4 stars). 5 submissions from 5 submitters: Benign (2); Likely benign (3). Last evaluated 2025-12-13.

Allele frequency attached by ClinVar (database versions not stated): ESP Exome Variant Server 0.00012; ExAC 0.00169; gnomAD exomes 0.00211; 1000 Genomes Project 30x 0.00016; gnomAD 0.00019 and 0.00020; TOPMed 0.00071.
gnomAD v4.1: 343 of 1,494,528 alleles (0.023%); highest among the groups gnomAD compares: Admixed American, 0.84%; 16 homozygotes.

Submissions (5):

Labcorp Genetics (formerly Invitae), Labcorp
Classification: Benign. Last evaluated: 2025-12-13. Review status: criteria provided, single submitter. Criteria: Invitae Variant Classification Sherloc (09022015). Collection method: clinical testing. Allele origin: germline.

GeneDx
Classification: Likely benign. Last evaluated: 2020-05-03. Review status: criteria provided, single submitter. Criteria: GeneDx Variant Classification Process June 2021. Collection method: clinical testing. Allele origin: germline. Affected: yes.

ARUP Laboratories, Molecular Genetics and Genomics, ARUP Laboratories
Classification: Benign. Last evaluated: 2019-05-22. Review status: criteria provided, single submitter. Criteria: ARUP Molecular Germline Variant Investigation Process. Collection method: clinical testing. Allele origin: germline.

Center for Pediatric Genomic Medicine, Children's Mercy Hospital and Clinics
Classification: Likely benign. Last evaluated: 2016-10-03. Review status: criteria provided, single submitter. Criteria: ACMG Guidelines, 2015. Collection method: clinical testing. Allele origin: germline.
ClinVar note: Converted during submission from Likely Benign to Likely benign.

Breakthrough Genomics
Classification: Likely benign. Review status: criteria provided, single submitter. Criteria: ACMG Guidelines, 2015. Collection method: not provided. Allele origin: germline. Inheritance: Autosomal dominant inheritance. Affected: yes.

NM_001024630.4(RUNX2):c.254C>T (p.Ala85Val)

Genes: RUNX2 (RUNX family transcription factor 2; plus strand), LOC109611589 (runt related transcription factor 2 polyalanine expansion region; plus strand). Cytogenetic location: 6p21.1.
Variant type: single nucleotide variant.
Coding change: c.254C>T on transcript NM_001024630.4 (MANE Select); coding-DNA position 254, C replaced by T.
Protein change: p.Ala85Val; replaces alanine 85 with valine.
Molecular consequence: missense variant.
Genome position (GRCh38, 1-based): chr6:45,422,788, C>T. VCF-style: chr6-45422788-C-T. GRCh37 (hg19) VCF-style: chr6-45390525-C-T.
Other names: c.254C>T, p.Ala85Val (NM_001015051.4); c.212C>T, p.Ala71Val (NM_001278478.2, NM_001369405.1); short protein forms A85V, A71V.
Identifiers: ClinVar variation 376847 (VCV000376847.22), dbSNP rs372138746, ClinGen allele CA3836354.